The following is an entry in ClinVar:

NM_012388.4(BLOC1S6):c.261dup (p.Glu88fs)

Gene: BLOC1S6 (biogenesis of lysosomal organelles complex 1 subunit 6; plus strand). Cytogenetic location: 15q21.1.
Variant type: Duplication.
Coding change: c.261dup on transcript NM_012388.4 (MANE Select); coding-DNA position 261, one base duplicated (A; older notation c.261dupA).
Protein change: p.Glu88fs; shifts the reading frame from glutamic acid 88.
Molecular consequence: frameshift variant. On other transcripts: non-coding transcript variant (6), intron variant (1).
Genome position (GRCh38, 1-based): chr15:45,603,136, A duplicated; the last of 2 consecutive A bases (chr15:45,603,135-45,603,136); duplicating either gives the same sequence. VCF-style (leftmost placement, unchanged base first): chr15-45603134-C-CA. GRCh37 (hg19) VCF-style: chr15-45895332-C-CA.
Other names: c.276dup, p.Glu93fs (NM_001311255.1); c.240-2292dup (NM_001311256.1); short protein forms E88fs, E93fs.
Identifiers: ClinVar variation 1947585 (VCV001947585.4), dbSNP rs1894328064, ClinGen allele CA2174160775.

ClinVar aggregate classification (germline): Pathogenic (1 of 4 stars; one submission).

Conditions:
Hermansky-Pudlak syndrome 9 (HPS9). Identifiers: Orphanet 280663, Orphanet 79430, MedGen C3280026, MONDO:0013606, OMIM 614171.

Submission:

Labcorp Genetics (formerly Invitae), Labcorp
Classification: Pathogenic for Hermansky-Pudlak syndrome 9. Last evaluated: 2021-05-01. Review status: criteria provided, single submitter. Criteria: Invitae Variant Classification Sherloc (09022015). Collection method: clinical testing. Allele origin: germline.
Comment: This variant is not present in population databases (ExAC no frequency). This sequence change creates a premature translational stop signal (p.Glu88Argfs*6) in the BLOC1S6 gene. It is expected to result in an absent or disrupted protein product. Loss-of-function variants in BLOC1S6 are known to be pathogenic (PMID: 10610180, 21665000, 22461475). This variant has not been reported in the literature in individuals with BLOC1S6-related conditions. For these reasons, this variant has been classified as Pathogenic.

Literature cited by the submitters: PubMed 10610180; PubMed 21665000; PubMed 22461475.